The following is an entry in ClinVar:

NM_000143.4(FH):c.993T>C (p.Thr331=)

Gene: FH (fumarate hydratase; minus strand). Cytogenetic location: 1q43.
Variant type: single nucleotide variant.
Coding change: c.993T>C on transcript NM_000143.4 (MANE Select); coding-DNA position 993, T replaced by C.
Protein change: p.Thr331=; no amino-acid change (threonine 331 retained).
Molecular consequence: synonymous variant.
Genome position (GRCh38, 1-based): chr1:241,504,157, A>G on the plus strand (T>C on the coding strand, the complement: FH is on the minus strand). VCF-style: chr1-241504157-A-G. GRCh37 (hg19) VCF-style: chr1-241667457-A-G.
Identifiers: ClinVar variation 823566 (VCV000823566.14), dbSNP rs757921798, ClinGen allele CA40327910.

ClinVar aggregate classification (germline): Benign/Likely benign. Review status: criteria provided, multiple submitters, no conflicts (2 of 4 stars). 3 submissions from 3 submitters: Benign (1); Likely benign (2). Last evaluated 2024-10-18.

Conditions:
Hereditary cancer-predisposing syndrome. Also called: Neoplastic Syndromes, Hereditary; Tumor predisposition; Hereditary Cancer Syndrome; Hereditary neoplastic syndrome. Identifiers: Orphanet 140162, MedGen C0027672, MeSH D009386, MONDO:0015356.
Hereditary leiomyomatosis and renal cell cancer. Also called: FH tumor predisposition syndrome; LEIOMYOMA, MULTIPLE CUTANEOUS; MULTIPLE CUTANEOUS AND UTERINE LEIOMYOMATA 1, WITH OR WITHOUT RENAL CELL CARCINOMA; Reed syndrome; Multiple cutaneous and uterine leiomyomatosis; Cutaneous leiomyomata with uterine leiomyomata. Identifiers: Orphanet 523, MedGen C1708350, MONDO:0007888, OMIM 150800, HP:0007437. Disease mechanism: loss of function.

Allele frequency attached by ClinVar (database versions not stated): gnomAD exomes 0.00001.
gnomAD v4.1: 8 of 1,614,234 alleles (0.0005%); highest among the groups gnomAD compares: Non-Finnish European, 0.00068%; no homozygotes.

Submissions (3):

Myriad Genetics, Inc.
Classification: Benign for Hereditary leiomyomatosis and renal cell cancer. Last evaluated: 2024-10-18. Review status: criteria provided, single submitter. Criteria: Myriad Autosomal Dominant, Autosomal Recessive and X-Linked Classification Criteria (2023). Collection method: clinical testing. Allele origin: unknown.
Comment: This variant is considered benign. This variant is a silent/synonymous amino acid change and it is not expected to impact splicing.

Labcorp Genetics (formerly Invitae), Labcorp
Classification: Likely benign. Last evaluated: 2024-06-09. Review status: criteria provided, single submitter. Criteria: Invitae Variant Classification Sherloc (09022015). Collection method: clinical testing. Allele origin: germline.

Ambry Genetics
Classification: Likely benign for Hereditary cancer-predisposing syndrome. Last evaluated: 2019-09-30. Review status: criteria provided, single submitter. Criteria: Ambry Variant Classification Scheme 2023. Collection method: clinical testing. Allele origin: germline.